The following is an entry in ClinVar:

ClinVar aggregate classification (germline): Uncertain significance (1 of 4 stars; one submission).

Allele frequency attached by ClinVar (database versions not stated): gnomAD exomes below 0.00001; TOPMed below 0.00001; ExAC 0.00001.
gnomAD v4.1: 1 of 1,590,874 alleles (0.000063%); highest among the groups gnomAD compares: Non-Finnish European, 0.000086%; no homozygotes.

Submission:

Mayo Clinic Laboratories, Mayo Clinic
Classification: Uncertain significance. Last evaluated: 2023-04-18. Review status: criteria provided, single submitter. Criteria: ACMG Guidelines, 2015. Collection method: clinical testing. Allele origin: germline. Observed: 1 variant allele.
Comment: BP4

NM_004733.4(SLC33A1):c.144C>G (p.Asp48Glu)

Gene: SLC33A1 (solute carrier family 33 member 1; minus strand). Cytogenetic location: 3q25.31.
Variant type: single nucleotide variant.
Coding change: c.144C>G on transcript NM_004733.4 (MANE Select); coding-DNA position 144, C replaced by G.
Protein change: p.Asp48Glu; replaces aspartic acid 48 with glutamic acid.
Molecular consequence: missense variant.
Genome position (GRCh38, 1-based): chr3:155,853,854, G>C on the plus strand (C>G on the coding strand, the complement: SLC33A1 is on the minus strand). VCF-style: chr3-155853854-G-C. GRCh37 (hg19) VCF-style: chr3-155571643-G-C.
Other names: p.Asp48Glu; c.144C>G, p.Asp48Glu (NM_001190992.2, NM_001363883.1); short protein forms D48E.
Identifiers: ClinVar variation 2682848 (VCV002682848.1), dbSNP rs764692065, ClinGen allele CA2677449.